The following is an entry in ClinVar:

ClinVar aggregate classification (germline): Benign/Likely benign. Review status: criteria provided, multiple submitters, no conflicts (2 of 4 stars). 3 submissions from 3 submitters: Benign (1); Likely benign (2). Last evaluated 2026-01-27.

Conditions:
Hereditary cancer-predisposing syndrome. Also called: Tumor predisposition; Hereditary neoplastic syndrome; Hereditary Cancer Syndrome; Neoplastic Syndromes, Hereditary. Identifiers: Orphanet 140162, MedGen C0027672, MeSH D009386, MONDO:0015356.
Hereditary diffuse gastric adenocarcinoma (HDGC). Also called: DIFFUSE GASTRIC AND LOBULAR BREAST CANCER SYNDROME. Identifiers: Orphanet 26106, MedGen C1708349, MONDO:0007648, OMIM 137215.

Allele frequency attached by ClinVar (database versions not stated): gnomAD 0.00001; gnomAD exomes 0.00001; ExAC 0.00002; TOPMed 0.00002.
gnomAD v4.1: 9 of 1,607,934 alleles (0.00056%); highest among the groups gnomAD compares: Admixed American, 0.0017%; no homozygotes.

Submissions (3):

Labcorp Genetics (formerly Invitae), Labcorp
Classification: Likely benign. Last evaluated: 2026-01-27. Review status: criteria provided, single submitter. Criteria: Invitae Variant Classification Sherloc (09022015). Collection method: clinical testing. Allele origin: germline.

Myriad Genetics, Inc.
Classification: Benign for Hereditary diffuse gastric adenocarcinoma. Last evaluated: 2024-10-14. Review status: criteria provided, single submitter. Criteria: Myriad Autosomal Dominant, Autosomal Recessive and X-Linked Classification Criteria (2023). Collection method: clinical testing. Allele origin: unknown.
Comment: This variant is considered benign. This variant is a silent/synonymous amino acid change and it is not expected to impact splicing.

Ambry Genetics
Classification: Likely benign for Hereditary cancer-predisposing syndrome. Last evaluated: 2020-01-06. Review status: criteria provided, single submitter. Criteria: Ambry Variant Classification Scheme 2023. Collection method: clinical testing. Allele origin: germline.

NM_001903.5(CTNNA1):c.1980C>T (p.Asp660=)

Gene: CTNNA1 (catenin alpha 1; plus strand). Cytogenetic location: 5q31.2.
Variant type: single nucleotide variant.
Coding change: c.1980C>T on transcript NM_001903.5 (MANE Select); coding-DNA position 1980, C replaced by T.
Protein change: p.Asp660=; no amino-acid change (aspartic acid 660 retained).
Molecular consequence: synonymous variant.
Genome position (GRCh38, 1-based): chr5:138,929,326, C>T. VCF-style: chr5-138929326-C-T. GRCh37 (hg19) VCF-style: chr5-138265015-C-T.
Other names: c.1980C>T, p.Asp660= (NM_001290307.3, NM_001323982.2, NM_001323983.1 and 2 more transcripts); c.1671C>T, p.Asp557= (NM_001290309.3); c.1611C>T, p.Asp537= (NM_001290310.3); c.870C>T, p.Asp290= (NM_001290312.1, NM_001323987.1, NM_001323988.1 and 17 more transcripts); c.1887C>T, p.Asp629= (NM_001323986.2); c.531C>T, p.Asp177= (NM_001324006.1, NM_001324007.1, NM_001324008.1 and 2 more transcripts); c.777C>T, p.Asp259= (NM_001324011.1); c.627C>T, p.Asp209= (NM_001324012.1, NM_001324013.1).
Identifiers: ClinVar variation 701945 (VCV000701945.14), dbSNP rs749260291, ClinGen allele CA3432079.